The following is an entry in ClinVar:

ClinVar aggregate classification (germline): Uncertain significance (1 of 4 stars; one submission).

Allele frequency attached by ClinVar (database versions not stated): gnomAD exomes below 0.00001; ExAC 0.00001; gnomAD 0.00001; TOPMed 0.00001.
gnomAD v4.1: 5 of 1,613,764 alleles (0.00031%); highest among the groups gnomAD compares: African/African-American, 0.0013%; no homozygotes.

Submission:

Labcorp Genetics (formerly Invitae), Labcorp
Classification: Uncertain significance. Last evaluated: 2022-03-26. Review status: criteria provided, single submitter. Criteria: Invitae Variant Classification Sherloc (09022015). Collection method: clinical testing. Allele origin: germline.
Comment: This sequence change replaces glutamine, which is neutral and polar, with arginine, which is basic and polar, at codon 2232 of the NBAS protein (p.Gln2232Arg). This variant is present in population databases (rs777089411, gnomAD 0.002%). This variant has not been reported in the literature in individuals affected with NBAS-related conditions. Algorithms developed to predict the effect of missense changes on protein structure and function are either unavailable or do not agree on the potential impact of this missense change (SIFT: "Deleterious"; PolyPhen-2: "Benign"; Align-GVGD: "Class C35"). Algorithms developed to predict the effect of sequence changes on RNA splicing suggest that this variant may create or strengthen a splice site. In summary, the available evidence is currently insufficient to determine the role of this variant in disease. Therefore, it has been classified as a Variant of Uncertain Significance.

NM_015909.4(NBAS):c.6695A>G (p.Gln2232Arg)

Gene: NBAS (NBAS subunit of NRZ tethering complex; minus strand). Cytogenetic location: 2p24.3.
Variant type: single nucleotide variant.
Coding change: c.6695A>G on transcript NM_015909.4 (MANE Select); coding-DNA position 6695, A replaced by G.
Protein change: p.Gln2232Arg; replaces glutamine 2232 with arginine.
Molecular consequence: missense variant. On other transcripts: non-coding transcript variant (1).
Genome position (GRCh38, 1-based): chr2:15,186,758, T>C on the plus strand (A>G on the coding strand, the complement: NBAS is on the minus strand). VCF-style: chr2-15186758-T-C. GRCh37 (hg19) VCF-style: chr2-15326882-T-C.
Other names: short protein forms Q2232R.
Identifiers: ClinVar variation 1982294 (VCV001982294.1), dbSNP rs777089411, ClinGen allele CA1534931.